The following is an entry in ClinVar:

NM_172364.5(CACNA2D4):c.2623G>A (p.Val875Met)

Gene: CACNA2D4 (calcium voltage-gated channel auxiliary subunit alpha2delta 4; minus strand). Cytogenetic location: 12p13.33.
Variant type: single nucleotide variant.
Coding change: c.2623G>A on transcript NM_172364.5 (MANE Select); coding-DNA position 2623, G replaced by A.
Protein change: p.Val875Met; replaces valine 875 with methionine.
Molecular consequence: missense variant.
Genome position (GRCh38, 1-based): chr12:1,810,578, C>T on the plus strand (G>A on the coding strand, the complement: CACNA2D4 is on the minus strand). VCF-style: chr12-1810578-C-T. GRCh37 (hg19) VCF-style: chr12-1919744-C-T.
Other names: short protein forms V875M.
Identifiers: ClinVar variation 935873 (VCV000935873.10), dbSNP rs199781150, ClinGen allele CA6386283.

ClinVar aggregate classification (germline): Uncertain significance. Review status: criteria provided, multiple submitters, no conflicts (2 of 4 stars). 3 submissions from 3 submitters: Uncertain significance (3). Last evaluated 2026-01-08.

Conditions:
Inborn genetic diseases. Identifiers: MedGen C0950123, MeSH D030342.

Allele frequency attached by ClinVar (database versions not stated): gnomAD exomes 0.00002 and 0.00007; 1000 Genomes Project 0.00020; ExAC 0.00023; gnomAD 0.00023 and 0.00024; TOPMed 0.00029; 1000 Genomes Project 30x 0.00031; ESP Exome Variant Server 0.00032.
gnomAD v4.1: 66 of 1,553,518 alleles (0.0042%); highest among the groups gnomAD compares: African/African-American, 0.081%; 1 homozygote.

Submissions (3):

Labcorp Genetics (formerly Invitae), Labcorp
Classification: Uncertain significance. Last evaluated: 2026-01-08. Review status: criteria provided, single submitter. Criteria: Invitae Variant Classification Sherloc (09022015). Collection method: clinical testing. Allele origin: germline.
Comment: This sequence change replaces valine, which is neutral and non-polar, with methionine, which is neutral and non-polar, at codon 875 of the CACNA2D4 protein (p.Val875Met). This variant is present in population databases (rs199781150, gnomAD 0.09%), and has an allele count higher than expected for a pathogenic variant. This variant has not been reported in the literature in individuals affected with CACNA2D4-related conditions. ClinVar contains an entry for this variant (Variation ID: 935873). An algorithm developed to predict the effect of missense changes on protein structure and function (PolyPhen-2) suggests that this variant is likely to be tolerated. In summary, the available evidence is currently insufficient to determine the role of this variant in disease. Therefore, it has been classified as a Variant of Uncertain Significance.

Ambry Genetics
Classification: Uncertain significance for Inborn genetic diseases. Last evaluated: 2024-11-13. Review status: criteria provided, single submitter. Criteria: Ambry Variant Classification Scheme 2023. Collection method: clinical testing. Allele origin: germline.

Blueprint Genetics
Classification: Uncertain significance. Last evaluated: 2024-01-29. Review status: criteria provided, single submitter. Criteria: ACMG Guidelines, 2015. Collection method: clinical testing. Allele origin: germline.